The following is an entry in ClinVar:

ClinVar aggregate classification (germline): Uncertain significance (1 of 4 stars; one submission).

Conditions:
Hereditary cancer-predisposing syndrome. Also called: Neoplastic Syndromes, Hereditary; Tumor predisposition; Hereditary neoplastic syndrome; Hereditary Cancer Syndrome. Identifiers: Orphanet 140162, MedGen C0027672, MeSH D009386, MONDO:0015356.

Submission:

Ambry Genetics
Classification: Uncertain significance for Hereditary cancer-predisposing syndrome. Last evaluated: 2023-01-05. Review status: criteria provided, single submitter. Criteria: Ambry Variant Classification Scheme 2023. Collection method: clinical testing. Allele origin: germline.
Comment: The p.E350D variant (also known as c.1050A>C), located in coding exon 11 of the NF2 gene, results from an A to C substitution at nucleotide position 1050. The glutamic acid at codon 350 is replaced by aspartic acid, an amino acid with highly similar properties. This amino acid position is conserved. In addition, the in silico prediction for this alteration is inconclusive. Since supporting evidence is limited at this time, the clinical significance of this alteration remains unclear.

NM_000268.4(NF2):c.1050A>C (p.Glu350Asp)

Gene: NF2 (NF2, moesin-ezrin-radixin like (MERLIN) tumor suppressor; plus strand). Cytogenetic location: 22q12.2.
Variant type: single nucleotide variant.
Coding change: c.1050A>C on transcript NM_000268.4 (MANE Select); coding-DNA position 1050, A replaced by C.
Protein change: p.Glu350Asp; replaces glutamic acid 350 with aspartic acid.
Molecular consequence: missense variant. On other transcripts: intron variant (1).
Genome position (GRCh38, 1-based): chr22:29,671,876, A>C. VCF-style: chr22-29671876-A-C. GRCh37 (hg19) VCF-style: chr22-30067865-A-C.
Other names: c.936A>C, p.Glu312Asp (NM_001407053.1, NM_001407056.1); c.927A>C, p.Glu309Asp (NM_001407054.1, NM_001407058.1, NM_181829.3); c.924A>C, p.Glu308Asp (NM_001407055.1, NM_181828.3); c.915A>C, p.Glu305Asp (NM_001407057.1, NM_001407059.1); c.1050A>C, p.Glu350Asp (NM_001407060.1, NM_001407066.1, NM_016418.5 and 2 more transcripts); c.792A>C, p.Glu264Asp (NM_001407062.1); c.801A>C, p.Glu267Asp (NM_001407063.1, NM_001407064.1, NM_181830.3 and 1 more transcripts); c.516A>C, p.Glu172Asp (NM_001407065.1); and 2 more; short protein forms E172D, E264D, E267D, E273D, E305D, E308D, E309D, E312D.
Identifiers: ClinVar variation 3231067 (VCV003231067.1), dbSNP rs2147072412, ClinGen allele CA411146908.